The following is an entry in ClinVar:

NM_133497.4(KCNV2):c.44C>T (p.Pro15Leu)

Gene: KCNV2 (potassium voltage-gated channel modifier subfamily V member 2; plus strand). Cytogenetic location: 9p24.2.
Variant type: single nucleotide variant.
Coding change: c.44C>T on transcript NM_133497.4 (MANE Select); coding-DNA position 44, C replaced by T.
Protein change: p.Pro15Leu; replaces proline 15 with leucine.
Molecular consequence: missense variant.
Genome position (GRCh38, 1-based): chr9:2,717,783, C>T. VCF-style: chr9-2717783-C-T. GRCh37 (hg19) VCF-style: chr9-2717783-C-T.
Other names: short protein forms P15L.
Identifiers: ClinVar variation 1054092 (VCV001054092.10), dbSNP rs771599426, ClinGen allele CA4965299.

ClinVar aggregate classification (germline): Uncertain significance (1 of 4 stars; one submission).

Allele frequency attached by ClinVar (database versions not stated): gnomAD exomes below 0.00001; ExAC 0.00001.

Submission:

Labcorp Genetics (formerly Invitae), Labcorp
Classification: Uncertain significance. Last evaluated: 2022-10-31. Review status: criteria provided, single submitter. Criteria: Invitae Variant Classification Sherloc (09022015). Collection method: clinical testing. Allele origin: germline.
Comment: This variant is present in population databases (rs771599426, gnomAD 0.0009%). In summary, the available evidence is currently insufficient to determine the role of this variant in disease. Therefore, it has been classified as a Variant of Uncertain Significance. Advanced modeling of protein sequence and biophysical properties (such as structural, functional, and spatial information, amino acid conservation, physicochemical variation, residue mobility, and thermodynamic stability) performed at Invitae indicates that this missense variant is not expected to disrupt KCNV2 protein function. ClinVar contains an entry for this variant (Variation ID: 1054092). This variant has not been reported in the literature in individuals affected with KCNV2-related conditions. This sequence change replaces proline, which is neutral and non-polar, with leucine, which is neutral and non-polar, at codon 15 of the KCNV2 protein (p.Pro15Leu).